The following is an entry in ClinVar:

ClinVar aggregate classification (germline): Likely pathogenic. Review status: criteria provided, multiple submitters, no conflicts (2 of 4 stars). 2 submissions from 2 submitters: Likely pathogenic (2). Last evaluated 2025-11-17.

Conditions:
Nephronophthisis. Also called: Juvenile Nephronophthisis. Identifiers: Orphanet 655, MedGen C0687120, MONDO:0019005, HP:0000090.
Meckel-Gruber syndrome. Also called: DYSENCEPHALIA SPLANCHNOCYSTICA; GRUBER SYNDROME; Dysencephalia splachnocystica. Identifiers: Orphanet 564, MedGen C0265215, MONDO:0018921.
Joubert syndrome. Also called: CEREBELLOPARENCHYMAL DISORDER IV; JOUBERT-BOLTSHAUSER SYNDROME; Familial aplasia of the vermis. Identifiers: Orphanet 475, MedGen C5979921, MONDO:0018772.
Leber congenital amaurosis (LCA). Also called: Leber's amaurosis. Identifiers: Orphanet 65, MedGen C0339527, MeSH D057130, MONDO:0018998.

Submissions (2):

Natera, Inc.
Classification: Likely pathogenic for Leber congenital amaurosis. Last evaluated: 2025-11-17. Review status: criteria provided, single submitter. Criteria: Natera Variant Classification Schema (03/2026). Collection method: clinical testing. Allele origin: germline.
Comment: The c.2041_2052+23del variant in CEP290 is a deletion affecting a canonical splice donor site and part of an exon. This variant is expected to result in nonsense mediated decay, truncation, or a dysfunctional protein product. This variant is rare in the general population with a frequency below the threshold expected for the associated phenotype(s). Another variant at this same site results in an alteration predicted to cause a similar molecular effect has been observed in individual(s) with the associated phenotype. Given the available evidence, this variant is classified as Likely Pathogenic.

Labcorp Genetics (formerly Invitae), Labcorp
Classification: Likely pathogenic for Joubert syndrome; Meckel-Gruber syndrome; Nephronophthisis. Last evaluated: 2022-12-09. Review status: criteria provided, single submitter. Criteria: Invitae Variant Classification Sherloc (09022015). Collection method: clinical testing. Allele origin: germline.
Comment: In summary, the currently available evidence indicates that the variant is pathogenic, but additional data are needed to prove that conclusively. Therefore, this variant has been classified as Likely Pathogenic. Algorithms developed to predict the effect of sequence changes on RNA splicing suggest that this variant may disrupt the consensus splice site. ClinVar contains an entry for this variant (Variation ID: 1493068). This variant has not been reported in the literature in individuals affected with CEP290-related conditions. This variant is not present in population databases (gnomAD no frequency). This variant results in the deletion of part of exon 20 (c.2041_2052+23del) of the CEP290 gene. It is expected to disrupt RNA splicing. Variants that disrupt the donor or acceptor splice site typically lead to a loss of protein function (PMID: 16199547), and loss-of-function variants in CEP290 are known to be pathogenic (PMID: 16909394, 17345604, 20690115).

Literature cited by the submitters: PubMed 16199547 (cited by Labcorp Genetics (formerly Invitae), Labcorp); PubMed 16909394 (cited by Labcorp Genetics (formerly Invitae), Labcorp); PubMed 17345604 (cited by Labcorp Genetics (formerly Invitae), Labcorp); PubMed 20690115 (cited by Labcorp Genetics (formerly Invitae), Labcorp).

NM_025114.4(CEP290):c.2041_2052+23del

Gene: CEP290 (centrosomal protein 290; minus strand). Cytogenetic location: 12q21.32.
Variant type: Deletion.
Coding change: c.2041_2052+23del on transcript NM_025114.4 (MANE Select); coding-DNA position 2041 through 23 bases into the intron after coding-DNA position 2052, 35 bases deleted.
Molecular consequence: splice donor variant.
Genome position (GRCh38, 1-based): chr12:88,114,397-88,114,431, 35 bases deleted; deleting any 35 consecutive bases within chr12:88,114,397-88,114,433 gives the same sequence; the c. name uses the placement nearest the transcript's 3' end. GRCh37 (hg19): chr12:88,508,176-88,508,210.
Other names: c.2041_2052+23del (NM_025114.3).
Identifiers: ClinVar variation 1493068 (VCV001493068.7), dbSNP rs2137779120, ClinGen allele CA2573149052.